The following is an entry in ClinVar:

NM_014874.4(MFN2):c.1385A>G (p.Tyr462Cys)

Gene: MFN2 (mitofusin 2; plus strand). Cytogenetic location: 1p36.22.
Variant type: single nucleotide variant.
Coding change: c.1385A>G on transcript NM_014874.4 (MANE Select); coding-DNA position 1385, A replaced by G.
Protein change: p.Tyr462Cys; replaces tyrosine 462 with cysteine.
Molecular consequence: missense variant.
Genome position (GRCh38, 1-based): chr1:12,004,606, A>G. VCF-style: chr1-12004606-A-G. GRCh37 (hg19) VCF-style: chr1-12064663-A-G.
Other names: c.1385A>G (NM_014874.3); c.1385A>G, p.Tyr462Cys (NM_001127660.2); short protein forms Y462C.
Identifiers: ClinVar variation 1478913 (VCV001478913.7), dbSNP rs2100849130, ClinGen allele CA338446455.
Genomic context (GRCh38, chr1:12,004,606, plus strand): 5'-CTGTACTGGTGGACGATTACCAGATGGACTTCCACCCTTCTCCAGTAGTCCTCAAGGTTT[A>G]TAAGAATGTGAGTCATGGAGCAACAGGTCCTCTTGGCAGGAGGCCCCCAAAAGTGATTCA-3'
Protein context (NP_055689.1, residues 452-472): FHPSPVVLKV[Tyr462Cys]KNELHRHIEE

ClinVar aggregate classification (germline): Uncertain significance. Review status: criteria provided, multiple submitters, no conflicts (2 of 4 stars). 5 submissions from 3 submitters: Uncertain significance (5). Last evaluated 2026-01-17.

Conditions:
Charcot-Marie-Tooth disease type 2A2. Also called: CHARCOT-MARIE-TOOTH DISEASE, AXONAL, TYPE 2A2; CHARCOT-MARIE-TOOTH DISEASE, NEURONAL, TYPE 2A2; HEREDITARY MOTOR AND SENSORY NEUROPATHY IIA2; HMSN IIA2; Charcot-Marie-Tooth Neuropathy Type 2A2; CHARCOT-MARIE-TOOTH DISEASE, AXONAL, AUTOSOMAL DOMINANT, TYPE 2A2A. Identifiers: Orphanet 99947, MedGen C4721887, MONDO:0012231, OMIM 609260.
Neuropathy, hereditary motor and sensory, type 6A (HMSN6A). Also called: NEUROPATHY, HEREDITARY MOTOR AND SENSORY, TYPE VIA; HMSN VIA; CHARCOT-MARIE-TOOTH DISEASE, TYPE 6A; NEUROPATHY, HEREDITARY MOTOR AND SENSORY, TYPE VIA, WITH OPTIC ATROPHY. Identifiers: MedGen CN305336, MONDO:0011002, OMIM 601152.
Charcot-Marie-Tooth disease, axonal, autosomal recessive, type 2a2b;. Also called: Charcot-Marie-Tooth disease, axonal, autosomal recessive, type 2A2B; Charcot-Marie-Tooth disease, axonal, type 2A2B. Identifiers: MedGen C4310725, MONDO:0014906, OMIM 617087.
Charcot-Marie-Tooth disease type 2. Also called: Charcot-Marie-Tooth type 2. Identifiers: Orphanet 64746, MedGen C0270914, MONDO:0018993.

Allele frequency attached by ClinVar (database versions not stated): gnomAD exomes below 0.00001.
gnomAD v4.1: 2 of 1,613,958 alleles (0.00012%); highest among the groups gnomAD compares: Non-Finnish European, 0.00017%; no homozygotes.

Submissions (5):

Labcorp Genetics (formerly Invitae), Labcorp
Classification: Uncertain significance for Charcot-Marie-Tooth disease type 2. Last evaluated: 2026-01-17. Review status: criteria provided, single submitter. Criteria: Invitae Variant Classification Sherloc (09022015). Collection method: clinical testing. Allele origin: germline.
Comment: This sequence change replaces tyrosine, which is neutral and polar, with cysteine, which is neutral and slightly polar, at codon 462 of the MFN2 protein (p.Tyr462Cys). This variant is not present in population databases (gnomAD no frequency). This variant has not been reported in the literature in individuals affected with MFN2-related conditions. ClinVar contains an entry for this variant (Variation ID: 1478913). Invitae Evidence Modeling of protein sequence and biophysical properties (such as structural, functional, and spatial information, amino acid conservation, physicochemical variation, residue mobility, and thermodynamic stability) indicates that this missense variant is expected to disrupt MFN2 protein function with a positive predictive value of 95%. Algorithms developed to predict the effect of sequence changes on RNA splicing suggest that this variant may disrupt the consensus splice site. In summary, the available evidence is currently insufficient to determine the role of this variant in disease. Therefore, it has been classified as a Variant of Uncertain Significance.

Women's Health and Genetics/Laboratory Corporation of America, LabCorp
Classification: Uncertain significance. Last evaluated: 2023-09-06. Review status: criteria provided, single submitter. Criteria: LabCorp Variant Classification Summary - May 2015. Collection method: clinical testing. Allele origin: germline.
Comment: Variant summary: MFN2 c.1385A>G (p.Tyr462Cys) results in a non-conservative amino acid change in the encoded protein sequence. Five of five in-silico tools predict a damaging effect of the variant on protein function. The variant was absent in 251496 control chromosomes (gnomAD). The available data on variant occurrences in the general population are insufficient to allow any conclusion about variant significance. To our knowledge, no occurrence of c.1385A>G in individuals affected with MFN2-Related Disorders and no experimental evidence demonstrating its impact on protein function have been reported. Two submitters have cited clinical-significance assessments for this variant to ClinVar after 2014. All submitters classified the variant as uncertain significance. Based on the evidence outlined above, the variant was classified as uncertain significance.

Baylor Genetics
Classification: Uncertain significance for Charcot-Marie-Tooth disease, axonal, autosomal recessive, type 2a2b;. Last evaluated: 2022-12-15. Review status: criteria provided, single submitter. Criteria: ACMG Guidelines, 2015. Collection method: clinical testing. Allele origin: unknown.

Baylor Genetics
Classification: Uncertain significance for Neuropathy, hereditary motor and sensory, type 6A. Last evaluated: 2022-12-15. Review status: criteria provided, single submitter. Criteria: ACMG Guidelines, 2015. Collection method: clinical testing. Allele origin: unknown.

Baylor Genetics
Classification: Uncertain significance for Charcot-Marie-Tooth disease type 2A2. Last evaluated: 2022-12-15. Review status: criteria provided, single submitter. Criteria: ACMG Guidelines, 2015. Collection method: clinical testing. Allele origin: unknown.